The following is an entry in ClinVar:

NM_007294.4(BRCA1):c.5448A>T (p.Thr1816=)

Gene: BRCA1 (BRCA1 DNA repair associated; minus strand). Cytogenetic location: 17q21.31.
Variant type: single nucleotide variant.
Coding change: c.5448A>T on transcript NM_007294.4 (MANE Select); coding-DNA position 5448, A replaced by T.
Protein change: p.Thr1816=; no amino-acid change (threonine 1816 retained).
Molecular consequence: synonymous variant. On other transcripts: nonsense (17).
Genome position (GRCh38, 1-based): chr17:43,047,662, T>A on the plus strand (A>T on the coding strand, the complement: BRCA1 is on the minus strand). VCF-style: chr17-43047662-T-A. GRCh37 (hg19) VCF-style: chr17-41199679-T-A.
Other names: c.2061A>T, p.Thr687= (NM_001408411.1); c.2058A>T, p.Thr686= (NM_001408412.1, NM_001408413.1, NM_001408414.1 and 2 more transcripts); c.2022A>T, p.Thr674= (NM_001408418.1, NM_001408419.1, NM_001408420.1); c.2019A>T, p.Thr673= (NM_001408421.1, NM_001408422.1, NM_001408423.1 and 1 more transcripts); c.2016A>T, p.Thr672= (NM_001408425.1, NM_001408426.1, NM_001408427.1 and 4 more transcripts); c.2013A>T, p.Thr671= (NM_001408432.1, NM_001408433.1, NM_001408434.1 and 10 more transcripts); c.2010A>T, p.Thr670= (NM_001408445.1, NM_001408446.1, NM_001408447.1 and 2 more transcripts); c.2004A>T, p.Thr668= (NM_001408451.1); and 83 more; short protein forms R688*, R1744*, R1750*, R1751*, R1791*, R1792*, R1745*, R1749*.
Identifiers: ClinVar variation 867395 (VCV000867395.3), dbSNP rs397509285, ClinGen allele CA10590503.

Conditions:
Breast-ovarian cancer, familial, susceptibility to, 1 (BROVCA1). Also called: BRCA1 Hereditary Breast and Ovarian Cancer; OVARIAN CANCER, SUSCEPTIBILITY TO. Identifiers: Orphanet 145, MedGen C2676676, MONDO:0011450, OMIM 604370. Disease mechanism: loss of function.

Submission:

Brotman Baty Institute, University of Washington
No classification provided (evidence only). Condition: Breast-ovarian cancer, familial 1. Review status: no classification provided. Collection method: in vitro. Allele origin: not applicable. Functional consequence: functionally_normal.
ClinVar note: "not provided" was previously submitted as the classification for the variant. However, the classification appeared to be based only on an observation of functional data so it was converted to no classification on 2025-07-30.